The following is an entry in ClinVar:

ClinVar aggregate classification (germline): Uncertain significance. Review status: criteria provided, multiple submitters, no conflicts (2 of 4 stars). 2 submissions from 2 submitters: Uncertain significance (2). Last evaluated 2022-05-13.

Conditions:
Early-infantile DEE. Also called: Ohtahara syndrome; Early infantile epileptic encephalopathy; Early infantile epileptic encephalopathy with suppression bursts. Identifiers: Orphanet 1934, MedGen C0393706, MONDO:0800491.

Submissions (2):

Labcorp Genetics (formerly Invitae), Labcorp
Classification: Uncertain significance for Early-infantile DEE. Last evaluated: 2022-05-13. Review status: criteria provided, single submitter. Criteria: Invitae Variant Classification Sherloc (09022015). Collection method: clinical testing. Allele origin: germline.
Comment: In summary, the available evidence is currently insufficient to determine the role of this variant in disease. Therefore, it has been classified as a Variant of Uncertain Significance. Algorithms developed to predict the effect of missense changes on protein structure and function are either unavailable or do not agree on the potential impact of this missense change (SIFT: "Deleterious"; PolyPhen-2: "Benign"; Align-GVGD: "Class C0"). This variant has not been reported in the literature in individuals affected with SCN8A-related conditions. This variant is not present in population databases (gnomAD no frequency). This sequence change replaces isoleucine, which is neutral and non-polar, with leucine, which is neutral and non-polar, at codon 29 of the SCN8A protein (p.Ile29Leu).

Revvity Omics, Revvity
Classification: Uncertain significance. Last evaluated: 2020-11-30. Review status: criteria provided, single submitter. Criteria: ACMG Guidelines, 2015. Collection method: clinical testing. Allele origin: germline.

NM_001330260.2(SCN8A):c.85A>C (p.Ile29Leu)

Genes: SCN8A (sodium voltage-gated channel alpha subunit 8; plus strand), LOC114803470 (SCN8A eExon liver enhancer; plus strand). Cytogenetic location: 12q13.13.
Variant type: single nucleotide variant.
Coding change: c.85A>C on transcript NM_001330260.2 (MANE Select); coding-DNA position 85, A replaced by C.
Protein change: p.Ile29Leu; replaces isoleucine 29 with leucine.
Molecular consequence: missense variant.
Genome position (GRCh38, 1-based): chr12:51,662,902, A>C. VCF-style: chr12-51662902-A-C. GRCh37 (hg19) VCF-style: chr12-52056686-A-C.
Other names: c.85A>C, p.Ile29Leu (NM_001177984.3, NM_001369788.1, NM_014191.4); short protein forms I29L.
Identifiers: ClinVar variation 1993923 (VCV001993923.7), dbSNP rs2540119199, ClinGen allele CA385227642.